The following is an entry in ClinVar:

ClinVar aggregate classification (germline): Benign/Likely benign. Review status: criteria provided, multiple submitters, no conflicts (2 of 4 stars). 2 submissions from 2 submitters: Benign (1); Likely benign (1). Last evaluated 2026-03-01.

Allele frequency attached by ClinVar (database versions not stated): 1000 Genomes Project 0.00140; 1000 Genomes Project 30x 0.00141.
gnomAD v4.1: 513 of 1,614,120 alleles (0.032%); highest among the groups gnomAD compares: African/African-American, 0.63%; 2 homozygotes.

Submissions (2):

CeGaT Center for Human Genetics Tuebingen
Classification: Benign. Last evaluated: 2026-03-01. Review status: criteria provided, single submitter. Criteria: CeGaT Center For Human Genetics Tuebingen Variant Classification Criteria Version 2. Collection method: clinical testing. Allele origin: germline. Affected: yes. Observed: 3 variant alleles.
Comment: MACF1: BS1, BS2

Blueprint Genetics
Classification: Likely benign. Last evaluated: 2022-09-21. Review status: criteria provided, single submitter. Criteria: ACMG Guidelines, 2015. Collection method: clinical testing. Allele origin: germline.

NM_001394062.1(MACF1):c.6173C>G (p.Thr2058Ser)

Gene: MACF1 (microtubule actin crosslinking factor 1; plus strand). Cytogenetic location: 1p34.3.
Variant type: single nucleotide variant.
Coding change: c.6173C>G on transcript NM_001394062.1 (MANE Select); coding-DNA position 6173, C replaced by G.
Protein change: p.Thr2058Ser; replaces threonine 2058 with serine.
Molecular consequence: missense variant. On other transcripts: intron variant (1).
Genome position (GRCh38, 1-based): chr1:39,332,761, C>G. VCF-style: chr1-39332761-C-G. GRCh37 (hg19) VCF-style: chr1-39798433-C-G.
Other names: c.4629+5408C>G (NM_012090.5); short protein forms T2058S.
Identifiers: ClinVar variation 2638697 (VCV002638697.25), dbSNP rs16826072, ClinGen allele CA780598.
Genomic context (GRCh38, chr1:39,332,761, plus strand): 5'-GGCTGCCTGAGTTCCAGTTTTCTTCTCAGAACAAAGAATATCCCGATCGGGAAGATTGCA[C>G]TACAGAAAAAGGCAAAAAGACCACTGTAGAAACAGAAGATTCTTCTGTAGAGAACCCTGA-3'
Protein context (NP_001380991.1, residues 2048-2068): NKEYPDREDC[Thr2058Ser]TEKGKKTTVE